The following is an entry in ClinVar:

NM_000051.4(ATM):c.1725A>G (p.Ser575=)

Gene: ATM (ATM serine/threonine kinase; plus strand). Cytogenetic location: 11q22.3.
Variant type: single nucleotide variant.
Coding change: c.1725A>G on transcript NM_000051.4 (MANE Select); coding-DNA position 1725, A replaced by G.
Protein change: p.Ser575=; no amino-acid change (serine 575 retained).
Molecular consequence: synonymous variant.
Genome position (GRCh38, 1-based): chr11:108,251,954, A>G. VCF-style: chr11-108251954-A-G. GRCh37 (hg19) VCF-style: chr11-108122681-A-G.
Other names: c.1725A>G, p.Ser575= (NM_001351834.2).
Identifiers: ClinVar variation 3254028 (VCV003254028.1), dbSNP rs2135342237.
Genomic context (GRCh38, chr11:108,251,954, plus strand): 5'-AAAAATGGGAATAGAGCAAAATATGTGTGAAGTAAATAGAAGCTTTTCTTTAAAGGAATC[A>G]ATAATGAAATGGCTCTTATTCTATCAGTTAGAGGGTGACTTAGAAAATAGCACAGAAGTG-3'
Protein context (NP_000042.3, residues 565-585): EVNRSFSLKE[Ser575=]IMKWLLFYQL

ClinVar aggregate classification (germline): Benign (1 of 4 stars; one submission).

Conditions:
Familial cancer of breast. Also called: BREAST CANCER, FAMILIAL; Hereditary breast cancer; hereditary breast carcinoma. Identifiers: Orphanet 227535, MedGen C0346153, MONDO:0016419, OMIM 114480. Disease mechanism: loss of function.

Submission:

Myriad Genetics, Inc.
Classification: Benign for Familial cancer of breast. Last evaluated: 2024-05-01. Review status: criteria provided, single submitter. Criteria: Myriad Autosomal Dominant, Autosomal Recessive and X-Linked Classification Criteria (2023). Collection method: clinical testing. Allele origin: unknown.
Comment: This variant is considered benign. This variant is a silent/synonymous amino acid change and it is not expected to impact splicing.